The following is an entry in ClinVar:

ClinVar aggregate classification (germline): Uncertain significance (1 of 4 stars; one submission).

Allele frequency attached by ClinVar (database versions not stated): ExAC 0.00001.
gnomAD v4.1: 1 of 1,614,116 alleles (0.000062%); highest among the groups gnomAD compares: Non-Finnish European, 0.000085%; no homozygotes.

Submission:

Labcorp Genetics (formerly Invitae), Labcorp
Classification: Uncertain significance. Last evaluated: 2022-02-05. Review status: criteria provided, single submitter. Criteria: Invitae Variant Classification Sherloc (09022015). Collection method: clinical testing. Allele origin: germline.
Comment: In summary, the available evidence is currently insufficient to determine the role of this variant in disease. Therefore, it has been classified as a Variant of Uncertain Significance. Algorithms developed to predict the effect of missense changes on protein structure and function are either unavailable or do not agree on the potential impact of this missense change (SIFT: "Tolerated"; PolyPhen-2: "Probably Damaging"; Align-GVGD: "Class C0"). This variant has not been reported in the literature in individuals affected with MCM3AP-related conditions. The frequency data for this variant in the population databases is considered unreliable, as metrics indicate poor data quality at this position in the gnomAD database. This sequence change replaces glutamic acid, which is acidic and polar, with aspartic acid, which is acidic and polar, at codon 1872 of the MCM3AP protein (p.Glu1872Asp).

NM_003906.5(MCM3AP):c.5616G>C (p.Glu1872Asp)

Genes: MCM3AP (minichromosome maintenance complex component 3 associated protein; minus strand), MCM3AP-AS1 (MCM3AP antisense RNA 1; plus strand). Cytogenetic location: 21q22.3.
Variant type: single nucleotide variant.
Coding change: c.5616G>C on transcript NM_003906.5 (MANE Select); coding-DNA position 5616, G replaced by C.
Protein change: p.Glu1872Asp; replaces glutamic acid 1872 with aspartic acid.
Molecular consequence: missense variant.
Genome position (GRCh38, 1-based): chr21:46,240,828, C>G on the plus strand (G>C on the coding strand, the complement: MCM3AP is on the minus strand). VCF-style: chr21-46240828-C-G. GRCh37 (hg19) VCF-style: chr21-47660742-C-G.
Other names: short protein forms E1872D.
Identifiers: ClinVar variation 1361955 (VCV001361955.8), dbSNP rs780936885, ClinGen allele CA10075800.
Genomic context (GRCh38, chr21:46,240,828, plus strand): 5'-AAGCAGACTAAACACACATGAATTAGAAGGAAGTGGGCTTCACCTCTTGTTCTCTTCTTT[C>G]TCCAGCAGCAGACTGCTCGACAAACACTGCGCCAAGAGCTCCTCAGCAGAAGCTCCTCGC-3'
Protein context (NP_003897.2, residues 1862-1882): AQCLSSSLLL[Glu1872Asp]KEENKRFEDQ